The following is an entry in ClinVar:

NM_144631.6(ZNF513):c.403G>A (p.Ala135Thr)

Gene: ZNF513 (zinc finger protein 513; minus strand). Cytogenetic location: 2p23.3.
Variant type: single nucleotide variant.
Coding change: c.403G>A on transcript NM_144631.6 (MANE Select); coding-DNA position 403, G replaced by A.
Protein change: p.Ala135Thr; replaces alanine 135 with threonine.
Molecular consequence: missense variant.
Genome position (GRCh38, 1-based): chr2:27,378,863, C>T on the plus strand (G>A on the coding strand, the complement: ZNF513 is on the minus strand). VCF-style: chr2-27378863-C-T. GRCh37 (hg19) VCF-style: chr2-27601730-C-T.
Other names: c.217G>A, p.Ala73Thr (NM_001201459.2); short protein forms A135T, A73T.
Identifiers: ClinVar variation 4760761 (VCV004760761.1).

ClinVar aggregate classification (germline): Uncertain significance (1 of 4 stars; one submission).

gnomAD v4.1: 2 of 1,604,352 alleles (0.00012%); highest among the groups gnomAD compares: Non-Finnish European, 0.00017%; no homozygotes.

Submission:

Labcorp Genetics (formerly Invitae), Labcorp
Classification: Uncertain significance. Last evaluated: 2025-09-22. Review status: criteria provided, single submitter. Criteria: Invitae Variant Classification Sherloc (09022015). Collection method: clinical testing. Allele origin: germline.
Comment: This sequence change replaces alanine, which is neutral and non-polar, with threonine, which is neutral and polar, at codon 135 of the ZNF513 protein (p.Ala135Thr). This variant is not present in population databases (gnomAD no frequency). This variant has not been reported in the literature in individuals affected with ZNF513-related conditions. An algorithm developed to predict the effect of missense changes on protein structure and function outputs the following: PolyPhen-2: "Benign". The threonine amino acid residue is found in multiple mammalian species, which suggests that this missense change does not adversely affect protein function. In summary, the available evidence is currently insufficient to determine the role of this variant in disease. Therefore, it has been classified as a Variant of Uncertain Significance.